The following is an entry in ClinVar:

NM_001042492.3(NF1):c.5254A>T (p.Lys1752Ter)

Gene: NF1 (neurofibromin 1; plus strand). Cytogenetic location: 17q11.2.
Variant type: single nucleotide variant.
Coding change: c.5254A>T on transcript NM_001042492.3 (MANE Select); coding-DNA position 5254, A replaced by T.
Protein change: p.Lys1752Ter; replaces lysine 1752 with a stop codon.
Molecular consequence: nonsense.
Genome position (GRCh38, 1-based): chr17:31,326,238, A>T. VCF-style: chr17-31326238-A-T. GRCh37 (hg19) VCF-style: chr17-29653256-A-T.
Other names: c.5191A>T, p.Lys1731Ter (NM_000267.4); short protein forms K1731*, K1752*.
Identifiers: ClinVar variation 3237821 (VCV003237821.1), dbSNP rs2069338262.

ClinVar aggregate classification (germline): Pathogenic (1 of 4 stars; one submission).

Conditions:
Hereditary cancer-predisposing syndrome. Also called: Neoplastic Syndromes, Hereditary; Tumor predisposition; Hereditary neoplastic syndrome; Hereditary Cancer Syndrome. Identifiers: Orphanet 140162, MedGen C0027672, MeSH D009386, MONDO:0015356.
Cardiovascular phenotype. Identifiers: MedGen CN230736.

Submission:

Ambry Genetics
Classification: Pathogenic for Cardiovascular phenotype; Hereditary cancer-predisposing syndrome. Last evaluated: 2023-04-10. Review status: criteria provided, single submitter. Criteria: Ambry Variant Classification Scheme 2023. Collection method: clinical testing. Allele origin: germline.
Comment: The p.K1731* variant (also known as c.5191A>T), located in coding exon 36 of the NF1 gene, results from an A to T substitution at nucleotide position 5191. This changes the amino acid from a lysine to a stop codon within coding exon 36. This alteration was identified amongst a cohort of 1985 patients with a clinical diagnosis or symptoms of NF1 (van Minkelen R et al. Clin Genet, 2014 Apr;85:318-27). This variant is considered to be rare based on population cohorts in the Genome Aggregation Database (gnomAD). In addition to the clinical data presented in the literature, this alteration is expected to result in loss of function by premature protein truncation or nonsense-mediated mRNA decay. As such, this alteration is interpreted as a disease-causing mutation.